The following is an entry in ClinVar:

ClinVar aggregate classification (germline): Benign. Review status: criteria provided, multiple submitters, no conflicts (2 of 4 stars). 3 submissions from 3 submitters: Benign (3). Last evaluated 2024-07-31.

Allele frequency attached by ClinVar (database versions not stated): 1000 Genomes Project 30x 0.33167; 1000 Genomes Project 0.33666; TOPMed 0.35809; gnomAD 0.37325 and 0.37382; gnomAD exomes 0.41090.
gnomAD v4.1: 475,986 of 1,172,816 alleles (41%); highest among the groups gnomAD compares: East Asian, 49%; 98,941 homozygotes.

Submissions (3):

Unidad de Genómica Garrahan, Hospital de Pediatría Garrahan
Classification: Benign. Last evaluated: 2024-07-31. Review status: criteria provided, single submitter. Criteria: ACMG Guidelines, 2015. Collection method: clinical testing. Allele origin: germline. Affected: no. Observed: 37 variant alleles.
Comment: This variant is classified as Benign based on local population frequency. This variant was detected in 40% of patients studied in a panel designed for Epileptic and Developmental Encephalopathy, Progressive Myoclonus Epilepsy and Abnormal Movements and Neurodegeneration with brain iron accumulation. Number of patients: 37. Only high quality variants are reported.

GeneDx
Classification: Benign. Last evaluated: 2018-06-14. Review status: criteria provided, single submitter. Criteria: GeneDx Variant Classification (06012015). Collection method: clinical testing. Allele origin: germline. Affected: yes.
Comment: This variant is considered likely benign or benign based on one or more of the following criteria: it is a conservative change, it occurs at a poorly conserved position in the protein, it is predicted to be benign by multiple in silico algorithms, and/or has population frequency not consistent with disease.

Breakthrough Genomics
Classification: Benign. Review status: criteria provided, single submitter. Criteria: ACMG Guidelines, 2015. Collection method: not provided. Allele origin: germline. Inheritance: Autosomal recessive inheritance. Affected: yes.

NM_004369.4(COL6A3):c.6816+98C>T

Gene: COL6A3 (collagen type VI alpha 3 chain; minus strand). Cytogenetic location: 2q37.3.
Variant type: single nucleotide variant.
Coding change: c.6816+98C>T on transcript NM_004369.4 (MANE Select); 98 bases into the intron after coding-DNA position 6816, C replaced by T.
Molecular consequence: intron variant.
Genome position (GRCh38, 1-based): chr2:237,351,032, G>A on the plus strand (C>T on the coding strand, the complement: COL6A3 is on the minus strand). VCF-style: chr2-237351032-G-A. GRCh37 (hg19) VCF-style: chr2-238259675-G-A.
Other names: c.4995+98C>T (NM_057166.5); c.6198+98C>T (NM_057167.4).
Identifiers: ClinVar variation 679237 (VCV000679237.4), dbSNP rs3790995, ClinGen allele CA11142075.
Genomic context (GRCh38, chr2:237,351,032, plus strand): 5'-ATGATTCCACTGGCCAAGCCGCGATCAACAGGGGAGGCTGGAGTGGGAACCAGTAGTACT[G>A]AAGAGGAGGGACAGACAGACTGACCAAAGAGGGAGAGGGGCATGTGTGCCTGGCTGGTCC-3'